The following is an entry in ClinVar:

ClinVar aggregate classification (germline): Benign/Likely benign. Review status: criteria provided, multiple submitters, no conflicts (2 of 4 stars). 3 submissions from 3 submitters: Benign (2); Likely benign (1). Last evaluated 2026-02-03.

Conditions:
Creatine transporter deficiency (CCDS1). Also called: SLC6A8-Related Creatine Transporter Deficiency; CREATINE TRANSPORTER DEFECT; CEREBRAL CREATINE DEFICIENCY SYNDROME 1; Mental retardation , X-linked with seizures, short stature and midface hypoplasia; Mental retardation , X-linked, with creatine transport deficiency; X-linked creatine transporter deficiency. Identifiers: Orphanet 52503, MedGen C1845862, MONDO:0010305, OMIM 300352.

Allele frequency attached by ClinVar (database versions not stated): ESP Exome Variant Server 0.00028; gnomAD exomes 0.00184 and 0.00596; gnomAD 0.00362 and 0.00375; ExAC 0.00419; TOPMed 0.00578; 1000 Genomes Project 0.00583; 1000 Genomes Project 30x 0.00624.
gnomAD v4.1: 2,434 of 1,205,279 alleles (0.2%); highest among the groups gnomAD compares: Admixed American, 3.2%; 17 homozygotes.

Submissions (3):

Labcorp Genetics (formerly Invitae), Labcorp
Classification: Benign for Creatine transporter deficiency. Last evaluated: 2026-02-03. Review status: criteria provided, single submitter. Criteria: Invitae Variant Classification Sherloc (09022015). Collection method: clinical testing. Allele origin: germline.

Center for Pediatric Genomic Medicine, Children's Mercy Hospital and Clinics
Classification: Likely benign. Last evaluated: 2017-06-20. Review status: criteria provided, single submitter. Criteria: ACMG Guidelines, 2015. Collection method: clinical testing. Allele origin: germline.

GeneDx
Classification: Benign. Last evaluated: 2016-02-16. Review status: criteria provided, single submitter. Criteria: GeneDx Variant Classification (06012015). Collection method: clinical testing. Allele origin: germline. Affected: yes.
Comment: This variant is considered likely benign or benign based on one or more of the following criteria: it is a conservative change, it occurs at a poorly conserved position in the protein, it is predicted to be benign by multiple in silico algorithms, and/or has population frequency not consistent with disease.

NM_005629.4(SLC6A8):c.1141+18G>A

Gene: SLC6A8 (solute carrier family 6 member 8; plus strand). Cytogenetic location: Xq28.
Variant type: single nucleotide variant.
Coding change: c.1141+18G>A on transcript NM_005629.4 (MANE Select); 18 bases into the intron after coding-DNA position 1141, G replaced by A.
Molecular consequence: intron variant.
Genome position (GRCh38, 1-based): chrX:153,693,604, G>A. VCF-style: chrX-153693604-G-A. GRCh37 (hg19) VCF-style: chrX-152959059-G-A.
Other names: c.1111+18G>A (NM_001142805.2); c.796+18G>A (NM_001142806.1).
Identifiers: ClinVar variation 381457 (VCV000381457.11), dbSNP rs187400676, ClinGen allele CA10549419.